The following is an entry in ClinVar:

ClinVar aggregate classification (germline): Uncertain significance (1 of 4 stars; one submission).

Submission:

Labcorp Genetics (formerly Invitae), Labcorp
Classification: Uncertain significance. Last evaluated: 2026-01-06. Review status: criteria provided, single submitter. Criteria: Invitae Variant Classification Sherloc (09022015). Collection method: clinical testing. Allele origin: germline.
Comment: This sequence change replaces serine, which is neutral and polar, with arginine, which is basic and polar, at codon 2524 of the ACAN protein (p.Ser2524Arg). The frequency data for this variant in the population databases is considered unreliable, as metrics indicate poor data quality at this position in the gnomAD database. This variant has not been reported in the literature in individuals affected with ACAN-related conditions. An algorithm developed to predict the effect of missense changes on protein structure and function (PolyPhen-2) suggests that this variant is likely to be disruptive. In summary, the available evidence is currently insufficient to determine the role of this variant in disease. Therefore, it has been classified as a Variant of Uncertain Significance.

NM_001369268.1(ACAN):c.7686C>G (p.Ser2562Arg)

Gene: ACAN (aggrecan; plus strand). Cytogenetic location: 15q26.1.
Variant type: single nucleotide variant.
Coding change: c.7686C>G on transcript NM_001369268.1 (MANE Select); coding-DNA position 7686, C replaced by G.
Protein change: p.Ser2562Arg; replaces serine 2562 with arginine.
Molecular consequence: missense variant.
Genome position (GRCh38, 1-based): chr15:88,874,460, C>G. VCF-style: chr15-88874460-C-G. GRCh37 (hg19) VCF-style: chr15-89417691-C-G.
Other names: c.7275C>G, p.Ser2425Arg (NM_001135.4); c.7458C>G, p.Ser2486Arg (NM_001411096.1); c.7572C>G, p.Ser2524Arg (NM_001411097.1, NM_013227.4); short protein forms S2486R, S2425R, S2524R, S2562R.
Identifiers: ClinVar variation 4762194 (VCV004762194.1).
Genomic context (GRCh38, chr15:88,874,460, plus strand): 5'-CCTAGCCACCACCTACAAACGCAGACTACAGAAGCGGAGCTCACGGCACCCTCGGAGGAG[C>G]CGCCCCAGCACAGCCCACTGAGAAGAGCTTCCAGGACGCACCCAGGACGCTGAGCCCAGG-3'
Protein context (NP_001356197.1, residues 2552-2568): QKRSSRHPRR[Ser2562Arg]RPSTAH